The following is an entry in ClinVar:

ClinVar aggregate classification (germline): Benign. Review status: criteria provided, multiple submitters, no conflicts (2 of 4 stars). 3 submissions from 3 submitters: Benign (3). Last evaluated 2026-02-02.

Conditions:
Cone dystrophy with supernormal rod response (CDSRR). Also called: CONE DYSTROPHY WITH SUPERNORMAL ROD RESPONSES. Identifiers: Orphanet 209932, MedGen C1835897, MONDO:0012475, OMIM 610356.

Allele frequency attached by ClinVar (database versions not stated): gnomAD exomes 0.00317; ExAC 0.00395; gnomAD 0.01266 and 0.01355; 1000 Genomes Project 30x 0.01327; 1000 Genomes Project 0.01358; TOPMed 0.01467; ESP Exome Variant Server 0.01530.
gnomAD v4.1: 3,842 of 1,614,014 alleles (0.24%); highest among the groups gnomAD compares: African/African-American, 4.4%; 83 homozygotes.

Submissions (3):

Labcorp Genetics (formerly Invitae), Labcorp
Classification: Benign. Last evaluated: 2026-02-02. Review status: criteria provided, single submitter. Criteria: Invitae Variant Classification Sherloc (09022015). Collection method: clinical testing. Allele origin: germline.

Illumina Laboratory Services, Illumina
Classification: Benign for Cone dystrophy with supernormal rod response. Last evaluated: 2018-01-12. Review status: criteria provided, single submitter. Criteria: ICSL Variant Classification Criteria 13 December 2019. Collection method: clinical testing. Allele origin: germline.
Comment: This variant was observed in the ICSL laboratory as part of a predisposition screen in an ostensibly healthy population. It had not been previously curated by ICSL or reported in the Human Gene Mutation Database (HGMD: prior to June 1st, 2018), and was therefore a candidate for classification through an automated scoring system. Utilizing variant allele frequency, disease prevalence and penetrance estimates, and inheritance mode, an automated score was calculated to assess if this variant is too frequent to cause the disease. Based on the score and internal cut-off values, a variant classified as benign is not then subjected to further curation. The score for this variant resulted in a classification of benign for this disease.

Breakthrough Genomics
Classification: Benign. Review status: criteria provided, single submitter. Criteria: ACMG Guidelines, 2015. Collection method: not provided. Allele origin: germline. Inheritance: Autosomal recessive inheritance. Affected: yes.

NM_133497.4(KCNV2):c.1616T>C (p.Leu539Pro)

Gene: KCNV2 (potassium voltage-gated channel modifier subfamily V member 2; plus strand). Cytogenetic location: 9p24.2.
Variant type: single nucleotide variant.
Coding change: c.1616T>C on transcript NM_133497.4 (MANE Select); coding-DNA position 1616, T replaced by C.
Protein change: p.Leu539Pro; replaces leucine 539 with proline.
Molecular consequence: missense variant.
Genome position (GRCh38, 1-based): chr9:2,729,705, T>C. VCF-style: chr9-2729705-T-C. GRCh37 (hg19) VCF-style: chr9-2729705-T-C.
Other names: short protein forms L539P.
Identifiers: ClinVar variation 366479 (VCV000366479.16), dbSNP rs112673841, ClinGen allele CA4965956.